The following is an entry in ClinVar:

ClinVar aggregate classification (germline): Likely pathogenic (1 of 4 stars; one submission).

Conditions:
Charlevoix-Saguenay spastic ataxia (SACS). Also called: AUTOSOMAL RECESSIVE SPASTIC ATAXIA OF CHARLEVOIX-SAGUENAY; Spastic ataxia of Charlevoix-Saguenay; SPASTIC ATAXIA 6, AUTOSOMAL RECESSIVE. Identifiers: Orphanet 98, MedGen C1849140, MONDO:0010041, OMIM 270550.

Submission:

Natera, Inc.
Classification: Likely pathogenic for Charlevoix-Saguenay type spastic ataxia. Last evaluated: 2025-02-20. Review status: criteria provided, single submitter. Criteria: Natera Variant Classification Schema (03/2026). Collection method: clinical testing. Allele origin: germline.
Comment: The c.11546C>G variant in SACS is a nonsense variant predicted to introduce a stop codon at amino acid 3849. This variant is expected to result in nonsense mediated decay, truncation, or a dysfunctional protein product. This variant is rare in the general population with a frequency below the threshold expected for the associated phenotype(s). Given the available evidence, this variant is classified as Likely Pathogenic.

NM_014363.6(SACS):c.11546C>G (p.Ser3849Ter)

Gene: SACS (sacsin molecular chaperone; minus strand). Cytogenetic location: 13q12.12.
Variant type: single nucleotide variant.
Coding change: c.11546C>G on transcript NM_014363.6 (MANE Select); coding-DNA position 11546, C replaced by G.
Protein change: p.Ser3849Ter; replaces serine 3849 with a stop codon.
Molecular consequence: nonsense.
Genome position (GRCh38, 1-based): chr13:23,332,330, G>C on the plus strand (C>G on the coding strand, the complement: SACS is on the minus strand). VCF-style: chr13-23332330-G-C. GRCh37 (hg19) VCF-style: chr13-23906469-G-C.
Other names: c.11105C>G, p.Ser3702Ter (NM_001278055.2); short protein forms S3702*, S3849*.
Identifiers: ClinVar variation 4061137 (VCV004061137.2).
Genomic context (GRCh38, chr13:23,332,330, plus strand): 5'-AATTGTTTGCCCTCAGAATTTTTAAATATGCGGCTCAACACTTCAACATATTGCTTAGTT[G>C]AAATAATATCTTCAGTACCTAAGTGTTTGAACAACTGGTGAAATGTGCCAAGTTCTAAAG-3'